The following is an entry in ClinVar:

NM_000275.3(OCA2):c.540C>T (p.Val180=)

Gene: OCA2 (OCA2 melanosomal transmembrane protein; minus strand). Cytogenetic location: 15q13.1.
Variant type: single nucleotide variant.
Coding change: c.540C>T on transcript NM_000275.3 (MANE Select); coding-DNA position 540, C replaced by T.
Protein change: p.Val180=; no amino-acid change (valine 180 retained).
Molecular consequence: synonymous variant.
Genome position (GRCh38, 1-based): chr15:28,024,878, G>A on the plus strand (C>T on the coding strand, the complement: OCA2 is on the minus strand). VCF-style: chr15-28024878-G-A. GRCh37 (hg19) VCF-style: chr15-28270024-G-A.
Other names: c.540C>T, p.Val180= (NM_001300984.2); c.540C>T (NM_000275.2).
Identifiers: ClinVar variation 1563979 (VCV001563979.9), dbSNP rs756163236, ClinGen allele CA7439447.

ClinVar aggregate classification (germline): Likely benign. Review status: criteria provided, multiple submitters, no conflicts (2 of 4 stars). 2 submissions from 2 submitters: Likely benign (2). Last evaluated 2026-01-20.

Conditions:
OCA2-related disorder. Also called: OCA2-related condition.

Allele frequency attached by ClinVar (database versions not stated): gnomAD exomes 0.00004 and 0.00002; TOPMed 0.00005; gnomAD 0.00002; ExAC 0.00003.
gnomAD v4.1: 36 of 1,614,130 alleles (0.0022%); highest among the groups gnomAD compares: Non-Finnish European, 0.0031%; no homozygotes.

Submissions (2):

Labcorp Genetics (formerly Invitae), Labcorp
Classification: Likely benign. Last evaluated: 2026-01-20. Review status: criteria provided, single submitter. Criteria: Invitae Variant Classification Sherloc (09022015). Collection method: clinical testing. Allele origin: germline.

PreventionGenetics, part of Exact Sciences
Classification: Likely benign for OCA2-related condition. Last evaluated: 2025-12-23. Review status: criteria provided, single submitter. Criteria: ACMG Guidelines, 2015. Collection method: clinical testing. Allele origin: germline.
Comment: This variant is classified as likely benign based on ACMG/AMP sequence variant interpretation guidelines (Richards et al. 2015 PMID: 25741868, with internal and published modifications).